The following is an entry in ClinVar:

NM_199355.4(ADAMTS18):c.3082G>T (p.Glu1028Ter)

Gene: ADAMTS18 (ADAM metallopeptidase with thrombospondin type 1 motif 18; minus strand). Cytogenetic location: 16q23.1.
Variant type: single nucleotide variant.
Coding change: c.3082G>T on transcript NM_199355.4 (MANE Select); coding-DNA position 3082, G replaced by T.
Protein change: p.Glu1028Ter; replaces glutamic acid 1028 with a stop codon.
Molecular consequence: nonsense.
Genome position (GRCh38, 1-based): chr16:77,293,183, C>A on the plus strand (G>T on the coding strand, the complement: ADAMTS18 is on the minus strand). VCF-style: chr16-77293183-C-A. GRCh37 (hg19) VCF-style: chr16-77327080-C-A.
Other names: c.2566G>T, p.Glu856Ter (NM_001326358.2); short protein forms E856*, E1028*.
Identifiers: ClinVar variation 2693505 (VCV002693505.3), dbSNP rs369984540, ClinGen allele CA396832864.
Genomic context (GRCh38, chr16:77,293,183, plus strand): 5'-ATCGTCCAAGCACACAGCCCTCCTGCAGCTCAGGTCTGGGGAGACTGGTACACTGGCTCT[C>A]GGGGAGGGTTTCTGCGGCAGAGCCCTTGCAGAGGAGTTCACGCTTCCTCACCCCTCGTCC-3'

ClinVar aggregate classification (germline): Pathogenic (1 of 4 stars; one submission).

Submission:

Labcorp Genetics (formerly Invitae), Labcorp
Classification: Pathogenic. Last evaluated: 2023-11-19. Review status: criteria provided, single submitter. Criteria: Invitae Variant Classification Sherloc (09022015). Collection method: clinical testing. Allele origin: germline.
Comment: This sequence change creates a premature translational stop signal (p.Glu1028*) in the ADAMTS18 gene. It is expected to result in an absent or disrupted protein product. Loss-of-function variants in ADAMTS18 are known to be pathogenic (PMID: 23818446, 24874986). This variant is not present in population databases (gnomAD no frequency). This variant has not been reported in the literature in individuals affected with ADAMTS18-related conditions. Algorithms developed to predict the effect of sequence changes on RNA splicing suggest that this variant may disrupt the consensus splice site. For these reasons, this variant has been classified as Pathogenic.

Literature cited by the submitters: PubMed 23818446; PubMed 24874986.